The following is an entry in ClinVar:

NM_002354.3(EPCAM):c.937A>G (p.Asn313Asp)

Gene: EPCAM (epithelial cell adhesion molecule; plus strand). Cytogenetic location: 2p21.
Variant type: single nucleotide variant.
Coding change: c.937A>G on transcript NM_002354.3 (MANE Select); coding-DNA position 937, A replaced by G.
Protein change: p.Asn313Asp; replaces asparagine 313 with aspartic acid.
Molecular consequence: missense variant.
Genome position (GRCh38, 1-based): chr2:47,386,605, A>G. VCF-style: chr2-47386605-A-G. GRCh37 (hg19) VCF-style: chr2-47613744-A-G.
Other names: short protein forms N313D.
Identifiers: ClinVar variation 4018545 (VCV004018545.1).

ClinVar aggregate classification (germline): Uncertain significance (1 of 4 stars; one submission).

Conditions:
Hereditary cancer-predisposing syndrome. Also called: Tumor predisposition; Hereditary neoplastic syndrome; Neoplastic Syndromes, Hereditary; Hereditary Cancer Syndrome. Identifiers: Orphanet 140162, MedGen C0027672, MeSH D009386, MONDO:0015356.

Submission:

Ambry Genetics
Classification: Uncertain significance for Hereditary cancer-predisposing syndrome. Last evaluated: 2025-04-11. Review status: criteria provided, single submitter. Criteria: Ambry Variant Classification Scheme 2023. Collection method: clinical testing. Allele origin: germline.
Comment: The p.N313D variant (also known as c.937A>G), located in coding exon 9 of the EPCAM gene, results from an A to G substitution at nucleotide position 937. The asparagine at codon 313 is replaced by aspartic acid, an amino acid with highly similar properties. This amino acid position is conserved. In addition, this alteration is predicted to be tolerated by in silico analysis. Based on the available evidence, the clinical significance of this variant remains unclear.